The following is an entry in ClinVar:

NM_001197104.2(KMT2A):c.7640C>G (p.Pro2547Arg)

Gene: KMT2A (lysine methyltransferase 2A; plus strand). Cytogenetic location: 11q23.3.
Variant type: single nucleotide variant.
Coding change: c.7640C>G on transcript NM_001197104.2 (MANE Select); coding-DNA position 7640, C replaced by G.
Protein change: p.Pro2547Arg; replaces proline 2547 with arginine.
Molecular consequence: missense variant.
Genome position (GRCh38, 1-based): chr11:118,503,532, C>G. VCF-style: chr11-118503532-C-G. GRCh37 (hg19) VCF-style: chr11-118374247-C-G.
Other names: c.7730C>G, p.Pro2577Arg (NM_001412597.1); c.7631C>G, p.Pro2544Arg (NM_005933.4); short protein forms P2544R, P2547R, P2577R.
Identifiers: ClinVar variation 4688068 (VCV004688068.1).

ClinVar aggregate classification (germline): Likely benign (1 of 4 stars; one submission).

Conditions:
Wiedemann-Steiner syndrome (WDSTS). Also called: Growth deficiency and mental retardation with facial dysmorphism. Identifiers: Orphanet 319182, MedGen C1854630, MONDO:0011518, OMIM 605130.

Submission:

Centre for Medical Genetics,  Mumbai
Classification: Likely benign for Wiedemann-Steiner syndrome. Last evaluated: 2026-01-30. Review status: criteria provided, single submitter. Criteria: ACMG Guidelines, 2015. Collection method: provider interpretation. Allele origin: germline. Inheritance: Autosomal dominant inheritance. Affected: no. Observed: 1 heterozygote.
Comment: The variant satisfies PM2 criteria; Extremely low frequency in gnomAD population databases. The variant satisfies PP2 criteria; Missense variant in a gene with low rate of benign missense mutations and for which missense mutation is a common mechanism of a disease. However, the variant satisfies BS2 criteria.

Literature cited by the submitters: PubMed 22795537.